The following is an entry in ClinVar:

ClinVar aggregate classification (germline): Pathogenic (0 of 4 stars; one submission).

Submission:

GenMed Metabolism Lab
Classification: Pathogenic. Review status: no assertion criteria provided. Collection method: not provided. Allele origin: unknown.
ClinVar note: Converted during submission from pathogenic to Pathogenic.

NM_000531.6(OTC):c.317G>A (p.Gly106Glu)

Gene: OTC (ornithine transcarbamylase; plus strand). Cytogenetic location: Xp11.4.
Variant type: single nucleotide variant.
Coding change: c.317G>A on transcript NM_000531.6 (MANE Select); coding-DNA position 317, G replaced by A.
Protein change: p.Gly106Glu; replaces glycine 106 with glutamic acid.
Molecular consequence: missense variant.
Genome position (GRCh38, 1-based): chrX:38,381,360, G>A. VCF-style: chrX-38381360-G-A. GRCh37 (hg19) VCF-style: chrX-38240613-G-A.
Other names: short protein forms G106E.
Identifiers: ClinVar variation 97168 (VCV000097168.2), dbSNP rs67651903, ClinGen allele CA224554.
Genomic context (GRCh38, chrX:38,381,360, plus strand): 5'-TTGTTTTTTCAAAATGATTTTTTTCTTTTTTTTTTATTGTAGGCTTTGCACTTCTGGGAG[G>A]ACATCCTTGTTTTCTTACCACACAAGATATTCATTTGGGTGTGAATGAAAGTCTCACGGA-3'
Protein context (NP_000522.3, residues 96-116): STETGFALLG[Gly106Glu]HPCFLTTQDI